The following is an entry in ClinVar:

ClinVar aggregate classification (germline): Uncertain significance (1 of 4 stars; one submission).

Submission:

GeneDx
Classification: Uncertain significance. Last evaluated: 2021-06-30. Review status: criteria provided, single submitter. Criteria: GeneDx Variant Classification Process June 2021. Collection method: clinical testing. Allele origin: germline. Affected: yes.
Comment: Not observed at significant frequency in large population cohorts (Lek et al., 2016); Missense variants in this gene are often considered pathogenic (Stenson et al., 2014); In silico analysis supports that this missense variant does not alter protein structure/function; Has not been previously published as pathogenic or benign to our knowledge; This substitution is predicted to be within the N-terminal cytoplasmic domain.; This variant is associated with the following publications: (PMID: 24077912, 20831750, 27535533)

NM_001165963.4(SCN1A):c.6G>C (p.Glu2Asp)

Gene: SCN1A (sodium voltage-gated channel alpha subunit 1; minus strand). Cytogenetic location: 2q24.3.
Variant type: single nucleotide variant.
Coding change: c.6G>C on transcript NM_001165963.4 (MANE Select); coding-DNA position 6, G replaced by C.
Protein change: p.Glu2Asp; replaces glutamic acid 2 with aspartic acid.
Molecular consequence: missense variant. On other transcripts: 5 prime UTR variant (1), non-coding transcript variant (1).
Genome position (GRCh38, 1-based): chr2:166,073,616, C>G on the plus strand (G>C on the coding strand, the complement: SCN1A is on the minus strand). VCF-style: chr2-166073616-C-G. GRCh37 (hg19) VCF-style: chr2-166930126-C-G.
Other names: c.6G>C, p.Glu2Asp (NM_001165964.3, NM_001202435.3, NM_001353948.2 and 10 more transcripts); c.-2420G>C (NM_001353961.2); short protein forms E2D.
Identifiers: ClinVar variation 1331247 (VCV001331247.2), dbSNP rs771003075, ClinGen allele CA349243508.